The following is an entry in ClinVar:

NM_006361.6(HOXB13):c.5A>G (p.Glu2Gly)

Gene: HOXB13 (homeobox B13; minus strand). Cytogenetic location: 17q21.32.
Variant type: single nucleotide variant.
Coding change: c.5A>G on transcript NM_006361.6 (MANE Select); coding-DNA position 5, A replaced by G.
Protein change: p.Glu2Gly; replaces glutamic acid 2 with glycine.
Molecular consequence: missense variant.
Genome position (GRCh38, 1-based): chr17:48,728,589, T>C on the plus strand (A>G on the coding strand, the complement: HOXB13 is on the minus strand). VCF-style: chr17-48728589-T-C. GRCh37 (hg19) VCF-style: chr17-46805951-T-C.
Other names: short protein forms E2G.
Identifiers: ClinVar variation 690899 (VCV000690899.6), dbSNP rs1597935440, ClinGen allele CA400110023.

ClinVar aggregate classification (germline): Uncertain significance. Review status: criteria provided, single submitter (1 of 4 stars). 2 submissions from 2 submitters: Uncertain significance (1). 1 of the submissions does not count toward it. Last evaluated 2022-09-24.

Conditions:
Prostate cancer, hereditary, 1 (HPC1). Identifiers: Orphanet 1331, MedGen C4722327, MONDO:0011098, OMIM 601518.

Submissions (2):

Labcorp Genetics (formerly Invitae), Labcorp
Classification: Uncertain significance. Last evaluated: 2022-09-24. Review status: criteria provided, single submitter. Criteria: Invitae Variant Classification Sherloc (09022015). Collection method: clinical testing. Allele origin: germline.
Comment: In summary, the available evidence is currently insufficient to determine the role of this variant in disease. Therefore, it has been classified as a Variant of Uncertain Significance. Algorithms developed to predict the effect of missense changes on protein structure and function (SIFT, PolyPhen-2, Align-GVGD) all suggest that this variant is likely to be tolerated. ClinVar contains an entry for this variant (Variation ID: 690899). This variant has not been reported in the literature in individuals affected with HOXB13-related conditions. This variant is not present in population databases (gnomAD no frequency). This sequence change replaces glutamic acid, which is acidic and polar, with glycine, which is neutral and non-polar, at codon 2 of the HOXB13 protein (p.Glu2Gly).

Laboratory of Virology, Microbiology,  Quality and Medical Biotechnologies, Faculty of Sciences and Techniques - Mohammedia, Hassan II University of Casablanca
Classification: Uncertain significance for Prostate cancer, hereditary, 1. Review status: no assertion criteria provided. Collection method: clinical testing. Allele origin: somatic. Affected: yes. Not counted in ClinVar's aggregate classification.